The following is an entry in ClinVar:

NM_000092.5(COL4A4):c.4523-116C>T

Gene: COL4A4 (collagen type IV alpha 4 chain; minus strand). Cytogenetic location: 2q36.3.
Variant type: single nucleotide variant.
Coding change: c.4523-116C>T on transcript NM_000092.5 (MANE Select); 116 bases into the intron before coding-DNA position 4523, C replaced by T.
Molecular consequence: intron variant.
Genome position (GRCh38, 1-based): chr2:227,008,420, G>A on the plus strand (C>T on the coding strand, the complement: COL4A4 is on the minus strand). VCF-style: chr2-227008420-G-A. GRCh37 (hg19) VCF-style: chr2-227873136-G-A.
Identifiers: ClinVar variation 3338164 (VCV003338164.2).
Genomic context (GRCh38, chr2:227,008,420, plus strand): 5'-AGACCCTTCCTTCCTCCATCTGGCCTTTGCAGATACGTGTTCTGAAATCTGGAGGCCCTC[G>A]CCAAAGCCTGCTTCTGTGGTGAGGAAGCCATTTCTGACACCTCCCTGGTCCTGTGGGCCA-3'

ClinVar aggregate classification (germline): Uncertain significance. Review status: criteria provided, single submitter (1 of 4 stars). 2 submissions from 2 submitters: Uncertain significance (1). 1 of the submissions does not count toward it. Last evaluated 2026-03-12.

Conditions:
Kidney disorder. Also called: renal disease; Nephropathy; Kidney disease; Kidney Diseases; renal disorder. Identifiers: MedGen C0022658, MONDO:0005240, HP:0000112.

gnomAD v4.1: 419 of 1,155,572 alleles (0.036%); highest among the groups gnomAD compares: East Asian, 0.086%; 1 homozygote.

Submissions (2):

Women's Health and Genetics/Laboratory Corporation of America, LabCorp
Classification: Uncertain significance. Last evaluated: 2026-03-12. Review status: criteria provided, single submitter. Criteria: LabCorp Variant Classification Summary - May 2015. Collection method: clinical testing. Allele origin: germline.
Comment: Variant summary: COL4A4 c.4523-116C>T is located at a position not widely known to affect splicing. Several computational tools predict a significant impact on normal splicing: Five predict the variant creates a 5' donor site. At least one publication reports experimental evidence that this variant affects mRNA splicing in a minigene assay containing exons 46-47, showing a small pseudoexon is generated in ~1% of the transcript pool (example, Schobers_2025). However, the biological relevance of this change is unclear. The variant allele was found at a frequency of 0.00036 in 1155572 control chromosomes in the gnomAD database, including 1 homozygote. This frequency is not significantly higher than estimated for disease-causing variants in COL4A4, allowing no conclusion about variant significance. c.4523-116C>T has been observed in the presumed heterozygous state in individual(s) affected with a renal disorder of unclear type (example, Schobers_2025). These report(s) do not provide unequivocal conclusions about association of the variant with Alport Syndrome, Autosomal Recessive. The following publication has been ascertained in the context of this evaluation (PMID: 39333430). ClinVar contains an entry for this variant (Variation ID: 3338164). Based on the evidence outlined above, the variant was classified as uncertain significance.

Joint Genome Diagnostic Labs from Nijmegen and Maastricht, Radboudumc and MUMC+
Classification: Likely pathogenic for renal disorder. Review status: no assertion criteria provided. Collection method: clinical testing. Allele origin: germline. Affected: yes. Not counted in ClinVar's aggregate classification.
Comment: pseudo exon between exons 46 and 47 detected with minigene assay.

Literature cited by the submitters: PubMed 39333430 (cited by Women's Health and Genetics/Laboratory Corporation of America, LabCorp).